The following is an entry in ClinVar:

ClinVar aggregate classification (germline): Pathogenic (1 of 4 stars; one submission).

Conditions:
Rubinstein-Taybi syndrome due to CREBBP mutations (RSTS1). Also called: CREBBP-Related Rubinstein-Taybi Syndrome; BROAD THUMBS AND GREAT TOES, CHARACTERISTIC FACIES, AND IMPAIRED INTELLECTUAL DEVELOPMENT; RUBINSTEIN SYNDROME; RUBINSTEIN-TAYBI SYNDROME 1, INCOMPLETE; BROAD THUMB-HALLUX SYNDROME; Rubinstein-Taybi syndrome 1. Identifiers: Orphanet 353277, Orphanet 783, MedGen C4551859, MONDO:0008393, OMIM 180849.

Submission:

Broad Center for Mendelian Genomics, Broad Institute of MIT and Harvard
Classification: Pathogenic for Rubinstein-Taybi syndrome due to CREBBP mutations. Last evaluated: 2023-01-25. Review status: criteria provided, single submitter. Criteria: ACMG Guidelines, 2015. Collection method: curation. Allele origin: germline. Inheritance: Autosomal dominant inheritance.
Comment: Trio exome analysis showed this variant to be de novo. The p.Phe1523GlnfsTer5 variant in CREBBP has not been previously reported in individuals with Rubinstein-Taybi syndrome 1. This variant was absent from large population studies. This variant is predicted to cause a frameshift, which alters the protein‚Äôs amino acid sequence beginning at position 1523 and leads to a premature termination codon 5 amino acids downstream. This alteration is then predicted to lead to a truncated or absent protein. Heterozygous loss of function of the CREBBP gene is an established disease mechanism in Rubinstein-Taybi syndrome 1. In summary, this variant meets criteria to be classified as pathogenic for Rubinstein-Taybi syndrome 1. ACMG/AMP Criteria applied: PVS1, PS2_Supporting, PM2_Supporting (Richards 2015).

NM_004380.3(CREBBP):c.4567_4568del (p.Phe1523fs)

Gene: CREBBP (CREB binding lysine acetyltransferase; minus strand). Cytogenetic location: 16p13.3.
Variant type: Deletion.
Coding change: c.4567_4568del on transcript NM_004380.3 (MANE Select); coding-DNA positions 4567 to 4568, 2 bases deleted (TT; older notation c.4567_4568delTT).
Protein change: p.Phe1523fs; shifts the reading frame from phenylalanine 1523.
Molecular consequence: frameshift variant.
Genome position (GRCh38, 1-based): chr16:3,736,196-3,736,197, AA deleted on the plus strand (TT on the coding strand, the reverse complement: CREBBP is on the minus strand); deleting any 2 consecutive bases within chr16:3,736,196-3,736,199 gives the same sequence; the c. name uses the placement nearest the transcript's 3' end. VCF-style (leftmost placement, unchanged base first): chr16-3736195-GAA-G. GRCh37 (hg19) VCF-style: chr16-3786196-GAA-G.
Other names: NM_004380.3:c.4567_4568del; c.4453_4454del, p.Phe1485fs (NM_001079846.1); short protein forms F1485fs, F1523fs.
Identifiers: ClinVar variation 2412743 (VCV002412743.1), dbSNP rs2548362175, ClinGen allele CA2573332481.